The following is an entry in ClinVar:

ClinVar aggregate classification (germline): Uncertain significance (1 of 4 stars; one submission).

Conditions:
Inborn genetic diseases. Identifiers: MedGen C0950123, MeSH D030342.

Submission:

Ambry Genetics
Classification: Uncertain significance for Inborn genetic diseases. Last evaluated: 2026-07-13. Review status: criteria provided, single submitter. Criteria: Ambry Variant Classification Scheme 2023. Collection method: clinical testing. Allele origin: germline.
Comment: The p.E10D variant (also known as c.30G>C), located in coding exon 1 of the ASXL1 gene, results from a G to C substitution at nucleotide position 30. The glutamic acid at codon 10 is replaced by aspartic acid, an amino acid with highly similar properties. This amino acid position is conserved. In addition, this alteration is predicted to be tolerated by in silico analysis. Based on the available evidence, the clinical significance of this variant remains unclear.

NM_015338.6(ASXL1):c.30G>C (p.Glu10Asp)

Gene: ASXL1 (ASXL transcriptional regulator 1; plus strand). Cytogenetic location: 20q11.21.
Variant type: single nucleotide variant.
Coding change: c.30G>C on transcript NM_015338.6 (MANE Select); coding-DNA position 30, G replaced by C.
Protein change: p.Glu10Asp; replaces glutamic acid 10 with aspartic acid.
Molecular consequence: missense variant.
Genome position (GRCh38, 1-based): chr20:32,358,805, G>C. VCF-style: chr20-32358805-G-C. GRCh37 (hg19) VCF-style: chr20-30946608-G-C.
Other names: c.30G>C, p.Glu10Asp (NM_001164603.1); short protein forms E10D.
Identifiers: ClinVar variation 5029914 (VCV005029914.1).